The following is an entry in ClinVar:

NM_017780.4(CHD7):c.5210A>G (p.Lys1737Arg)

Gene: CHD7 (chromodomain helicase DNA binding protein 7; plus strand). Cytogenetic location: 8q12.2.
Variant type: single nucleotide variant.
Coding change: c.5210A>G on transcript NM_017780.4 (MANE Select); coding-DNA position 5210, A replaced by G.
Protein change: p.Lys1737Arg; replaces lysine 1737 with arginine.
Molecular consequence: missense variant. On other transcripts: intron variant (1).
Genome position (GRCh38, 1-based): chr8:60,845,409, A>G. VCF-style: chr8-60845409-A-G. GRCh37 (hg19) VCF-style: chr8-61757968-A-G.
Other names: c.1717-16820A>G (NM_001316690.1); short protein forms K1737R.
Identifiers: ClinVar variation 3257242 (VCV003257242.17).

ClinVar aggregate classification (germline): Uncertain significance (1 of 4 stars; one submission).

gnomAD v4.1: 3 of 1,613,698 alleles (0.00019%); highest among the groups gnomAD compares: Non-Finnish European, 0.00025%; no homozygotes.

Submission:

CeGaT Center for Human Genetics Tuebingen
Classification: Uncertain significance. Last evaluated: 2024-07-01. Review status: criteria provided, single submitter. Criteria: CeGaT Center For Human Genetics Tuebingen Variant Classification Criteria Version 2. Collection method: clinical testing. Allele origin: germline. Affected: yes. Observed: 1 variant allele.
Comment: CHD7: PP3